The following is an entry in ClinVar:

NM_015488.5(PNKD):c.237-16511C>T

Gene: PNKD (PNKD metallo-beta-lactamase domain containing; plus strand). Cytogenetic location: 2q35.
Variant type: single nucleotide variant.
Coding change: c.237-16511C>T on transcript NM_015488.5 (MANE Select); 16511 bases into the intron before coding-DNA position 237, C replaced by T.
Molecular consequence: intron variant. On other transcripts: missense variant (1).
Genome position (GRCh38, 1-based): chr2:218,323,272, C>T. VCF-style: chr2-218323272-C-T. GRCh37 (hg19) VCF-style: chr2-219187995-C-T.
Other names: c.5C>T, p.Ala2Val (NM_022572.5); short protein forms A2V.
Identifiers: ClinVar variation 4998332 (VCV004998332.1).

ClinVar aggregate classification (germline): Uncertain significance (1 of 4 stars; one submission).

Conditions:
PNKD-related disorder. Also called: PNKD-related condition.

gnomAD v4.1: 6 of 1,532,546 alleles (0.00039%); highest among the groups gnomAD compares: African/African-American, 0.0043%; no homozygotes.

Submission:

PreventionGenetics, part of Exact Sciences
Classification: Uncertain significance for PNKD-related condition. Last evaluated: 2026-05-16. Review status: criteria provided, single submitter. Criteria: ACMG Guidelines, 2015. Collection method: clinical testing. Allele origin: germline.
Comment: The PNKD c.5C>T variant is predicted to result in the amino acid substitution p.Ala2Val. To our knowledge, this variant has not been reported in the literature. This variant is reported in 0.0% of alleles in individuals of African descent in gnomAD. At this time, the clinical significance of this variant is uncertain due to the absence of conclusive functional and genetic evidence.